The following is an entry in ClinVar:

NM_032383.5(HPS3):c.601dup (p.Met201fs)

Gene: HPS3 (HPS3 biogenesis of lysosomal organelles complex 2 subunit 1; plus strand). Cytogenetic location: 3q24.
Variant type: Duplication.
Coding change: c.601dup on transcript NM_032383.5 (MANE Select); coding-DNA position 601, one base duplicated (A; older notation c.601dupA).
Protein change: p.Met201fs; shifts the reading frame from methionine 201.
Molecular consequence: frameshift variant. On other transcripts: intron variant (1).
Genome position (GRCh38, 1-based): chr3:149,140,387, A duplicated. VCF-style (leftmost placement, unchanged base first): chr3-149140386-C-CA. GRCh37 (hg19) VCF-style: chr3-148858173-C-CA.
Other names: c.218-630dup (NM_001308258.2); short protein forms M201fs.
Identifiers: ClinVar variation 2170990 (VCV002170990.4), dbSNP rs2473069493, ClinGen allele CA2580068949.

ClinVar aggregate classification (germline): Pathogenic (1 of 4 stars; one submission).

Submission:

Labcorp Genetics (formerly Invitae), Labcorp
Classification: Pathogenic. Last evaluated: 2022-04-25. Review status: criteria provided, single submitter. Criteria: Invitae Variant Classification Sherloc (09022015). Collection method: clinical testing. Allele origin: germline.
Comment: For these reasons, this variant has been classified as Pathogenic. This variant has not been reported in the literature in individuals affected with HPS3-related conditions. This variant is not present in population databases (gnomAD no frequency). This sequence change creates a premature translational stop signal (p.Met201Asnfs*16) in the HPS3 gene. It is expected to result in an absent or disrupted protein product. Loss-of-function variants in HPS3 are known to be pathogenic (PMID: 11590544).

Literature cited by the submitters: PubMed 11590544.